The following is an entry in ClinVar:

ClinVar aggregate classification (germline): Uncertain significance (1 of 4 stars; one submission).

Conditions:
Hereditary cancer-predisposing syndrome. Also called: Hereditary Cancer Syndrome; Hereditary neoplastic syndrome; Neoplastic Syndromes, Hereditary; Tumor predisposition. Identifiers: Orphanet 140162, MedGen C0027672, MeSH D009386, MONDO:0015356.

Submission:

Ambry Genetics
Classification: Uncertain significance for Hereditary cancer-predisposing syndrome. Last evaluated: 2025-08-02. Review status: criteria provided, single submitter. Criteria: Ambry Variant Classification Scheme 2023. Collection method: clinical testing. Allele origin: germline.
Comment: The p.E132Q variant (also known as c.394G>C), located in coding exon 3 of the EPCAM gene, results from a G to C substitution at nucleotide position 394. The glutamic acid at codon 132 is replaced by glutamine, an amino acid with highly similar properties. This amino acid position is conserved. In addition, this alteration is predicted to be tolerated by in silico analysis. Based on the available evidence, the clinical significance of this variant remains unclear.

NM_002354.3(EPCAM):c.394G>C (p.Glu132Gln)

Gene: EPCAM (epithelial cell adhesion molecule; plus strand). Cytogenetic location: 2p21.
Variant type: single nucleotide variant.
Coding change: c.394G>C on transcript NM_002354.3 (MANE Select); coding-DNA position 394, G replaced by C.
Protein change: p.Glu132Gln; replaces glutamic acid 132 with glutamine.
Molecular consequence: missense variant.
Genome position (GRCh38, 1-based): chr2:47,374,017, G>C. VCF-style: chr2-47374017-G-C. GRCh37 (hg19) VCF-style: chr2-47601156-G-C.
Other names: short protein forms E132Q.
Identifiers: ClinVar variation 4249684 (VCV004249684.1).